The following is an entry in ClinVar:

ClinVar aggregate classification (germline): Benign. Review status: no assertion criteria provided (0 of 4 stars). 2 submissions from 2 submitters: Benign (2). Last evaluated 2019-10-31.

Conditions:
Spinocerebellar ataxia type 10 (SCA10). Identifiers: Orphanet 98761, MedGen C1963674, MONDO:0011330, OMIM 603516.

Submissions (2):

OMIM
Classification: Benign for SPINOCEREBELLAR ATAXIA 10. Last evaluated: 2019-10-31. Review status: no assertion criteria provided. Collection method: literature only. Allele origin: germline.

GeneReviews
Classification: Benign for Spinocerebellar Ataxia Type10. Last evaluated: 2012-09-20. Review status: no assertion criteria provided. Collection method: curation. Allele origin: unknown.
ClinVar note: Converted during submission from non-pathogenic to Benign.

Literature cited by the submitters: PubMed 11017075 (cited by OMIM); PubMed 15127363 (cited by OMIM).

NM_013236.5(ATXN10):c.1173+54822_1173ATTCT[10_32]

Genes: ATXN10 (ataxin 10; plus strand), LOC107181287 (origin of replication for ATXN10 repeat region; plus strand), LOC108660404 (ataxin 10 repeat instability region; plus strand). Cytogenetic location: 22q13.31.
Variant type: Microsatellite.
Coding change: c.1173+54822_1173ATTCT[10_32] on transcript NM_013236.5.
Other names: ATXN10, (ATTCT)n REPEAT EXPANSION.
Identifiers: ClinVar variation 999 (VCV000000999.4), dbSNP rs60726084.